The following is an entry in ClinVar:

NM_000051.4(ATM):c.8314G>A (p.Gly2772Arg)

Genes: ATM (ATM serine/threonine kinase; plus strand), C11orf65 (chromosome 11 open reading frame 65; minus strand). Cytogenetic location: 11q22.3.
Variant type: single nucleotide variant.
Coding change: c.8314G>A on transcript NM_000051.4 (MANE Select); coding-DNA position 8314, G replaced by A.
Protein change: p.Gly2772Arg; replaces glycine 2772 with arginine.
Molecular consequence: missense variant. On other transcripts: intron variant (2).
Genome position (GRCh38, 1-based): chr11:108,343,267, G>A. VCF-style: chr11-108343267-G-A. GRCh37 (hg19) VCF-style: chr11-108213994-G-A.
Other names: c.8314G>A, p.Gly2772Arg (NM_001351834.2); c.641-34196C>T (NM_001330368.2); c.695-7975C>T (NM_001351110.2); short protein forms G2772R.
Identifiers: ClinVar variation 420015 (VCV000420015.23), dbSNP rs1064794239, ClinGen allele CA16619256.
Genomic context (GRCh38, chr11:108,343,267, plus strand): 5'-AATCTGTAACTCCAGGTGGTTCCCCTCTCTCAGCGAAGTGGTGTTCTTGAATGGTGCACA[G>A]GAACTGTCCCCATTGGTGAATTTCTTGTTAACAATGAAGATGGTGCTCATAAAAGATACA-3'
Protein context (NP_000042.3, residues 2762-2782): QRSGVLEWCT[Gly2772Arg]TVPIGEFLVN

ClinVar aggregate classification (germline): Conflicting classifications of pathogenicity. Review status: criteria provided, conflicting classifications (1 of 4 stars). 8 submissions from 8 submitters: Uncertain significance (6); Likely benign (1). 1 of the submissions does not count toward it. Last evaluated 2025-11-23.

Conditions:
Hereditary cancer-predisposing syndrome. Also called: Neoplastic Syndromes, Hereditary; Hereditary Cancer Syndrome; Tumor predisposition; Hereditary neoplastic syndrome. Identifiers: Orphanet 140162, MedGen C0027672, MeSH D009386, MONDO:0015356.
Familial cancer of breast. Also called: Hereditary breast cancer; BREAST CANCER, FAMILIAL; hereditary breast carcinoma. Identifiers: Orphanet 227535, MedGen C0346153, MONDO:0016419, OMIM 114480. Disease mechanism: loss of function.
Ataxia-telangiectasia syndrome (AT). Also called: LOUIS-BAR SYNDROME; Cerebello-oculocutaneous telangiectasia; Immunodeficiency with ataxia telangiectasia; Ataxia-telangiectasia, complementation group D; AT, COMPLEMENTATION GROUP C; Ataxia-telangiectasia, complementation group E. Identifiers: Orphanet 100, MedGen C0004135, MONDO:0008840, OMIM 208900.

Allele frequency attached by ClinVar (database versions not stated): TOPMed 0.00001; gnomAD exomes 0.00001; gnomAD 0.00001.
gnomAD v4.1: 9 of 1,613,882 alleles (0.00056%); highest among the groups gnomAD compares: Non-Finnish European, 0.00076%; no homozygotes.

Submissions (8):

Labcorp Genetics (formerly Invitae), Labcorp
Classification: Uncertain significance for Ataxia-telangiectasia syndrome. Last evaluated: 2025-11-23. Review status: criteria provided, single submitter. Criteria: Invitae Variant Classification Sherloc (09022015). Collection method: clinical testing. Allele origin: germline.
Comment: This sequence change replaces glycine, which is neutral and non-polar, with arginine, which is basic and polar, at codon 2772 of the ATM protein (p.Gly2772Arg). This variant is not present in population databases (gnomAD no frequency). This missense change has been observed in individual(s) with breast cancer (PMID: 11606401, 19781682, 29522266, 29678143). ClinVar contains an entry for this variant (Variation ID: 420015). Invitae Evidence Modeling of protein sequence and biophysical properties (such as structural, functional, and spatial information, amino acid conservation, physicochemical variation, residue mobility, and thermodynamic stability) has been performed for this missense variant. However, the output from this modeling did not meet the statistical confidence thresholds required to predict the impact of this variant on ATM protein function. Experimental studies have shown that this missense change does not substantially affect ATM function (PMID: 11805335, 15279808). In summary, the available evidence is currently insufficient to determine the role of this variant in disease. Therefore, it has been classified as a Variant of Uncertain Significance.

Color Diagnostics, LLC DBA Color Health
Classification: Uncertain significance for Hereditary cancer-predisposing syndrome. Last evaluated: 2025-02-19. Review status: criteria provided, single submitter. Criteria: ACMG Guidelines, 2015. Collection method: clinical testing. Allele origin: germline.
Comment: This missense variant replaces glycine with arginine at codon 2772 of the ATM protein. Computational prediction suggests that this variant may have deleterious impact on protein structure and function. A functional study reported that the variant protein was able to rescue kinase activity, sensitivity and chromosomal aberrations in response to DNA damage when transfected into ATM-deficient cells (PMID: 11805335). This variant has been observed in three individuals affected with breast cancer (PMID: 11606401, 29678143, 31871109) and in at least one unaffected control (PMID: 29678143). This variant has not been identified in the general population by the Genome Aggregation Database (gnomAD). The available evidence is insufficient to determine the role of this variant in disease conclusively. Therefore, this variant is classified as a Variant of Uncertain Significance.

Department of Human Genetics, Hannover Medical School
Classification: Uncertain significance for Familial cancer of breast. Last evaluated: 2024-07-24. Review status: criteria provided, single submitter. Criteria: ACMG Guidelines, 2015. Collection method: clinical testing. Allele origin: germline. Inheritance: Autosomal dominant inheritance. Affected: yes.

Baylor Genetics
Classification: Uncertain significance for Familial cancer of breast. Last evaluated: 2024-01-19. Review status: criteria provided, single submitter. Criteria: ACMG Guidelines, 2015. Collection method: clinical testing. Allele origin: unknown.

Ambry Genetics
Classification: Likely benign for Hereditary cancer-predisposing syndrome. Last evaluated: 2022-05-25. Review status: criteria provided, single submitter. Criteria: Ambry Variant Classification Scheme 2023. Collection method: clinical testing. Allele origin: germline.

GeneDx
Classification: Uncertain significance. Last evaluated: 2020-02-11. Review status: criteria provided, single submitter. Criteria: GeneDx Variant Classification Process June 2021. Collection method: clinical testing. Allele origin: germline. Affected: yes.
Comment: Not observed in large population cohorts (Lek 2016); In silico analysis supports that this missense variant has a deleterious effect on protein structure/function; Published functional studies demonstrate no damaging effect: no impact on cell viability, sensitivity to ionizing radiation, or induction of ATM kinase activity (Scott 2002); This variant is associated with the following publications: (PMID: 15279808, 16652348, 11606401, 19781682, 11805335, 29678143, 29522266, 30197789, 31920950, 21787400)

Athena Diagnostics
Classification: Uncertain significance. Last evaluated: 2020-01-17. Review status: criteria provided, single submitter. Criteria: Athena Diagnostics Criteria. Collection method: clinical testing. Allele origin: unknown.

Counsyl
Classification: Uncertain significance for Ataxia-telangiectasia syndrome. Last evaluated: 2017-10-26. Review status: no assertion criteria provided. Collection method: clinical testing. Allele origin: unknown. Not counted in ClinVar's aggregate classification.

Literature cited by the submitters: PubMed 11606401 (cited by 3 submitters); PubMed 19781682 (cited by 3 submitters); PubMed 29522266 (cited by 3 submitters); PubMed 29678143 (cited by 4 submitters); PubMed 11805335 (cited by 5 submitters); PubMed 15279808 (cited by Labcorp Genetics (formerly Invitae), Labcorp); PubMed 31871109 (cited by Color Diagnostics, LLC DBA Color Health).